The following is an entry in ClinVar:

NM_001206927.2(DNAH8):c.2537T>G (p.Leu846Trp)

Gene: DNAH8 (dynein axonemal heavy chain 8; plus strand). Cytogenetic location: 6p21.2.
Variant type: single nucleotide variant.
Coding change: c.2537T>G on transcript NM_001206927.2 (MANE Select); coding-DNA position 2537, T replaced by G.
Protein change: p.Leu846Trp; replaces leucine 846 with tryptophan.
Molecular consequence: missense variant.
Genome position (GRCh38, 1-based): chr6:38,786,906, T>G. VCF-style: chr6-38786906-T-G. GRCh37 (hg19) VCF-style: chr6-38754682-T-G.
Other names: c.1886T>G, p.Leu629Trp (NM_001371.4); short protein forms L629W, L846W.
Identifiers: ClinVar variation 4739536 (VCV004739536.1).

ClinVar aggregate classification (germline): Uncertain significance (1 of 4 stars; one submission).

Conditions:
Primary ciliary dyskinesia. Also called: Ciliary dyskinesia. Identifiers: Orphanet 244, MedGen C0008780, MONDO:0016575, HP:0012265.

gnomAD v4.1: 38 of 1,610,514 alleles (0.0024%); highest among the groups gnomAD compares: East Asian, 0.083%; no homozygotes.

Submission:

Labcorp Genetics (formerly Invitae), Labcorp
Classification: Uncertain significance for Primary ciliary dyskinesia. Last evaluated: 2025-05-06. Review status: criteria provided, single submitter. Criteria: Invitae Variant Classification Sherloc (09022015). Collection method: clinical testing. Allele origin: germline.
Comment: This sequence change replaces leucine, which is neutral and non-polar, with tryptophan, which is neutral and slightly polar, at codon 846 of the DNAH8 protein (p.Leu846Trp). This variant is present in population databases (rs748889760, gnomAD 0.04%). This variant has not been reported in the literature in individuals affected with DNAH8-related conditions. Experimental studies and prediction algorithms are not available or were not evaluated, and the functional significance of this variant is currently unknown. In summary, the available evidence is currently insufficient to determine the role of this variant in disease. Therefore, it has been classified as a Variant of Uncertain Significance.